The following is an entry in ClinVar:

NM_001365088.1(SLC12A6):c.186G>A (p.Glu62=)

Gene: SLC12A6 (solute carrier family 12 member 6; minus strand). Cytogenetic location: 15q14.
Variant type: single nucleotide variant.
Coding change: c.186G>A on transcript NM_001365088.1 (MANE Select); coding-DNA position 186, G replaced by A.
Protein change: p.Glu62=; no amino-acid change (glutamic acid 62 retained).
Molecular consequence: synonymous variant.
Genome position (GRCh38, 1-based): chr15:34,336,495, C>T on the plus strand (G>A on the coding strand, the complement: SLC12A6 is on the minus strand). VCF-style: chr15-34336495-C-T. GRCh37 (hg19) VCF-style: chr15-34628696-C-T.
Other names: c.9G>A, p.Glu3= (NM_001042494.2, NM_001042495.2); c.159G>A, p.Glu53= (NM_001042496.2); c.186G>A, p.Glu62= (NM_001042497.2, NM_133647.2).
Identifiers: ClinVar variation 392962 (VCV000392962.11), dbSNP rs530537247, ClinGen allele CA16606918.

ClinVar aggregate classification (germline): Likely benign. Review status: criteria provided, multiple submitters, no conflicts (2 of 4 stars). 2 submissions from 2 submitters: Likely benign (2). Last evaluated 2025-11-24.

Allele frequency attached by ClinVar (database versions not stated): TOPMed below 0.00001; gnomAD 0.00001; gnomAD exomes 0.00001 and 0.00004.
gnomAD v4.1: 61 of 1,613,744 alleles (0.0038%); highest among the groups gnomAD compares: Non-Finnish European, 0.0051%; no homozygotes.

Submissions (2):

Labcorp Genetics (formerly Invitae), Labcorp
Classification: Likely benign. Last evaluated: 2025-11-24. Review status: criteria provided, single submitter. Criteria: Invitae Variant Classification Sherloc (09022015). Collection method: clinical testing. Allele origin: germline.

GeneDx
Classification: Likely benign. Last evaluated: 2017-01-17. Review status: criteria provided, single submitter. Criteria: GeneDx Variant Classification (06012015). Collection method: clinical testing. Allele origin: germline. Affected: yes.
Comment: This variant is considered likely benign or benign based on one or more of the following criteria: it is a conservative change, it occurs at a poorly conserved position in the protein, it is predicted to be benign by multiple in silico algorithms, and/or has population frequency not consistent with disease.